The following is an entry in ClinVar:

ClinVar aggregate classification (germline): Likely pathogenic (1 of 4 stars; one submission).

Conditions:
Agenesis of the corpus callosum with peripheral neuropathy (ACCPN). Also called: CHARLEVOIX DISEASE; HMSN/ACC; Hereditary Motor and Sensory Neuropathy with Agenesis of the Corpus Callosum; POLYNEUROPATHY, SENSORIMOTOR, WITH OR WITHOUT AGENESIS OF THE CORPUS CALLOSUM. Identifiers: Orphanet 1496, MedGen C0795950, MONDO:0000902, OMIM 218000. Disease mechanism: loss of function.

Submission:

Natera, Inc.
Classification: Likely pathogenic for Andermann syndrome. Last evaluated: 2024-03-05. Review status: criteria provided, single submitter. Criteria: Natera Variant Classification Schema (03/2026). Collection method: clinical testing. Allele origin: germline.
Comment: The c.2479_2482dupTGCC variant in SLC12A6 is a frameshift variant predicted to shift the reading frame beginning at codon 828 and leads to a stop codon 36 codons downstream. This variant is expected to result in nonsense mediated decay, truncation, or a dysfunctional protein product. This variant is rare in the general population with a frequency below the threshold expected for the associated phenotype(s). Given the available evidence, this variant is classified as Likely Pathogenic.

NM_001365088.1(SLC12A6):c.2479_2482dup (p.Gln828fs)

Genes: SLC12A6 (solute carrier family 12 member 6; minus strand), LOC126862097 (P300/CBP strongly-dependent group 1 enhancer GRCh37_chr15:34531007-34532206; plus strand). Cytogenetic location: 15q14.
Variant type: Duplication.
Coding change: c.2479_2482dup on transcript NM_001365088.1 (MANE Select); coding-DNA positions 2479 to 2482, 4 bases duplicated (TGCC; older notation c.2479_2482dupTGCC).
Protein change: p.Gln828fs; shifts the reading frame from glutamine 828.
Molecular consequence: frameshift variant.
Genome position (GRCh38, 1-based): chr15:34,239,115-34,239,118, GGCA duplicated on the plus strand (TGCC on the coding strand, the reverse complement: SLC12A6 is on the minus strand); duplicating any 4 consecutive bases within chr15:34,239,115-34,239,119 gives the same sequence; the c. name uses the placement nearest the transcript's 3' end. VCF-style (leftmost placement, unchanged base first): chr15-34239114-T-TGGCA. GRCh37 (hg19) VCF-style: chr15-34531315-T-TGGCA.
Other names: c.2479_2482dupTGCC (NM_133647.1); c.2302_2305dup, p.Gln769fs (NM_001042494.2, NM_001042495.2); c.2452_2455dup, p.Gln819fs (NM_001042496.2); c.2434_2437dup, p.Gln813fs (NM_001042497.2); c.2326_2329dup, p.Gln777fs (NM_005135.2); c.2479_2482dup, p.Gln828fs (NM_133647.2); short protein forms Q769fs, Q777fs, Q813fs, Q819fs, Q828fs.
Identifiers: ClinVar variation 4816521 (VCV004816521.1).
Genomic context (GRCh38, chr15:34,239,114, plus strand): 5'-AGGCCACATGACTGGATGAGGTGGGAAATGCCCTCTCTCAGCTTGGCGGCCACCACCAGC[T>TGGCA]GGCAGAATCCTTTTACCTTCTCTGCCTCCATTAGGTGCTTTATGGTCTGAAAGAGACACA-3'